The following is an entry in ClinVar:

ClinVar aggregate classification (germline): Uncertain significance. Review status: criteria provided, multiple submitters, no conflicts (2 of 4 stars). 2 submissions from 2 submitters: Uncertain significance (2). Last evaluated 2025-11-09.

Conditions:
Primary dilated cardiomyopathy (DCM). Also called: Dilated Cardiomyopathy. Identifiers: Orphanet 217604, MedGen C0007193, MeSH D002311, MONDO:0005021, HP:0001644. Inheritance: Various modes of inheritance.

Allele frequency attached by ClinVar (database versions not stated): TOPMed 0.00006; ExAC 0.00007; ESP Exome Variant Server 0.00015; gnomAD 0.00004; gnomAD exomes 0.00004 and 0.00009.
gnomAD v4.1: 135 of 1,608,244 alleles (0.0084%); highest among the groups gnomAD compares: Non-Finnish European, 0.01%; no homozygotes.

Submissions (2):

Labcorp Genetics (formerly Invitae), Labcorp
Classification: Uncertain significance for Primary dilated cardiomyopathy. Last evaluated: 2025-11-09. Review status: criteria provided, single submitter. Criteria: Invitae Variant Classification Sherloc (09022015). Collection method: clinical testing. Allele origin: germline.
Comment: This sequence change replaces serine, which is neutral and polar, with threonine, which is neutral and polar, at codon 556 of the NEBL protein (p.Ser556Thr). This variant is present in population databases (rs373244101, gnomAD 0.006%). This variant has not been reported in the literature in individuals affected with NEBL-related conditions. ClinVar contains an entry for this variant (Variation ID: 655802). An algorithm developed to predict the effect of missense changes on protein structure and function (PolyPhen-2) suggests that this variant is likely to be disruptive. In summary, the available evidence is currently insufficient to determine the role of this variant in disease. Therefore, it has been classified as a Variant of Uncertain Significance.

Ambry Genetics
Classification: Uncertain significance. Last evaluated: 2025-08-03. Review status: criteria provided, single submitter. Criteria: Ambry Variant Classification Scheme 2023. Collection method: clinical testing. Allele origin: germline.
Comment: The p.S556T variant (also known as c.1667G>C), located in coding exon 16 of the NEBL gene, results from a G to C substitution at nucleotide position 1667. The serine at codon 556 is replaced by threonine, an amino acid with similar properties. This amino acid position is conserved. In addition, the in silico prediction for this alteration is inconclusive. Since supporting evidence is limited at this time, the clinical significance of this alteration remains unclear.

NM_006393.3(NEBL):c.1667G>C (p.Ser556Thr)

Gene: NEBL (nebulette; minus strand). Cytogenetic location: 10p12.31.
Variant type: single nucleotide variant.
Coding change: c.1667G>C on transcript NM_006393.3 (MANE Select); coding-DNA position 1667, G replaced by C.
Protein change: p.Ser556Thr; replaces serine 556 with threonine.
Molecular consequence: missense variant. On other transcripts: intron variant (9).
Genome position (GRCh38, 1-based): chr10:20,831,200, C>G on the plus strand (G>C on the coding strand, the complement: NEBL is on the minus strand). VCF-style: chr10-20831200-C-G. GRCh37 (hg19) VCF-style: chr10-21120129-C-G.
Other names: c.250-18260G>C (NM_001377326.1, NM_001377327.1, NM_001377328.1); c.358-18260G>C (NM_213569.2, NM_001173484.2, NM_001377322.1); c.301-18260G>C (NM_001377324.1); c.292-18260G>C (NM_001377325.1); c.310-18260G>C (NM_001377323.1); short protein forms S556T.
Identifiers: ClinVar variation 655802 (VCV000655802.10), dbSNP rs373244101, ClinGen allele CA5432792.